The following is an entry in ClinVar:

ClinVar aggregate classification (germline): Uncertain significance (1 of 4 stars; one submission).

Conditions:
Classic homocystinuria. Also called: Homocystinuria due to Cystathionine Beta-Synthase Deficiency; Homocystinuria due to CBS deficiency; Cystathionine beta-synthase deficiency; CBS deficiency; HOMOCYSTINURIA WITH OR WITHOUT RESPONSE TO PYRIDOXINE. Identifiers: Orphanet 394, MedGen C0751202, MONDO:0009352, OMIM 236200.

Submission:

Myriad Genetics, Inc.
Classification: Uncertain significance for Classic homocystinuria. Last evaluated: 2025-11-13. Review status: criteria provided, single submitter. Criteria: Myriad Autosomal Dominant, Autosomal Recessive and X-Linked Classification Criteria (2023). Collection method: clinical testing. Allele origin: unknown.
Comment: NM_000071.2(CBS):c.1039G>C(G347R) is a missense variant classified as a variant of uncertain significance in the context of homocystinuria, CBS-related. G347R has not been observed in cases with relevant disease. Relevant functional assessments of this variant are not available in the literature. G347R has not been observed in referenced population frequency databases. In summary, there is insufficient evidence to classify NM_000071.2(CBS):c.1039G>C(G347R) as pathogenic or benign. Please note: this variant was assessed in the context of healthy population screening.

NM_000071.3(CBS):c.1039G>C (p.Gly347Arg)

Gene: CBS (cystathionine beta-synthase; minus strand). Cytogenetic location: 21q22.3.
Variant type: single nucleotide variant.
Coding change: c.1039G>C on transcript NM_000071.3 (MANE Select); coding-DNA position 1039, G replaced by C.
Protein change: p.Gly347Arg; replaces glycine 347 with arginine.
Molecular consequence: missense variant.
Genome position (GRCh38, 1-based): chr21:43,062,311, C>G on the plus strand (G>C on the coding strand, the complement: CBS is on the minus strand). VCF-style: chr21-43062311-C-G. GRCh37 (hg19) VCF-style: chr21-44482421-C-G.
Other names: c.1039G>C, p.Gly347Arg (NM_001178008.3, NM_001178009.3, NM_001320298.2); c.724G>C, p.Gly242Arg (NM_001321072.1); short protein forms G242R, G347R.
Identifiers: ClinVar variation 5004283 (VCV005004283.1).
Genomic context (GRCh38, chr21:43,062,311, plus strand): 5'-CCCCAGTGCCCCCTAGCCATCTCTGCCTTCCCCATACCCCCGTGCCCGCCACCCACTCAC[C>G]GCACAGCAGCCCCTCTTGCGCGATCAGCATGCGGGCAAAGGTGAACGCCTCCTCATCGTT-3'
Protein context (NP_000062.1, residues 337-357): MLIAQEGLLC[Gly347Arg]GSAGSTVAVA